The following is an entry in ClinVar:

NM_000179.3(MSH6):c.133G>T (p.Gly45Cys)

Gene: MSH6 (mutS homolog 6; plus strand). Cytogenetic location: 2p16.3.
Variant type: single nucleotide variant.
Coding change: c.133G>T on transcript NM_000179.3 (MANE Select); coding-DNA position 133, G replaced by T.
Protein change: p.Gly45Cys; replaces glycine 45 with cysteine.
Molecular consequence: missense variant. On other transcripts: 5 prime UTR variant (1).
Genome position (GRCh38, 1-based): chr2:47,783,366, G>T. VCF-style: chr2-47783366-G-T. GRCh37 (hg19) VCF-style: chr2-48010505-G-T.
Other names: c.133G>T, p.Gly45Cys (NM_001281492.2); c.-604G>T (NM_001281493.2); short protein forms G45C.
Identifiers: ClinVar variation 619574 (VCV000619574.6), dbSNP rs978968846, ClinGen allele CA346734898.

ClinVar aggregate classification (germline): Conflicting classifications of pathogenicity. Review status: criteria provided, conflicting classifications (1 of 4 stars). 3 submissions from 3 submitters: Uncertain significance (2); Likely benign (1). Last evaluated 2025-12-26.

Conditions:
Hereditary nonpolyposis colorectal neoplasms. Identifiers: MedGen C0009405, MeSH D003123.
Lynch syndrome. Identifiers: Orphanet 144, MedGen C4552100, MONDO:0005835. Disease mechanism: loss of function.
Hereditary cancer-predisposing syndrome. Also called: Neoplastic Syndromes, Hereditary; Hereditary neoplastic syndrome; Tumor predisposition; Hereditary Cancer Syndrome. Identifiers: Orphanet 140162, MedGen C0027672, MeSH D009386, MONDO:0015356.

Submissions (3):

Labcorp Genetics (formerly Invitae), Labcorp
Classification: Uncertain significance for Hereditary nonpolyposis colorectal neoplasms. Last evaluated: 2025-12-26. Review status: criteria provided, single submitter. Criteria: Invitae Variant Classification Sherloc (09022015). Collection method: clinical testing. Allele origin: germline.
Comment: This sequence change replaces glycine, which is neutral and non-polar, with cysteine, which is neutral and slightly polar, at codon 45 of the MSH6 protein (p.Gly45Cys). This variant is not present in population databases (gnomAD no frequency). This variant has not been reported in the literature in individuals affected with MSH6-related conditions. ClinVar contains an entry for this variant (Variation ID: 619574). Invitae Evidence Modeling of protein sequence and biophysical properties (such as structural, functional, and spatial information, amino acid conservation, physicochemical variation, residue mobility, and thermodynamic stability) indicates that this missense variant is not expected to disrupt MSH6 protein function with a negative predictive value of 95%. In summary, the available evidence is currently insufficient to determine the role of this variant in disease. Therefore, it has been classified as a Variant of Uncertain Significance.

Ambry Genetics
Classification: Uncertain significance for Hereditary cancer-predisposing syndrome. Last evaluated: 2018-08-25. Review status: criteria provided, single submitter. Criteria: Ambry Variant Classification Scheme 2023. Collection method: clinical testing. Allele origin: germline.
Comment: The p.G45C variant (also known as c.133G>T), located in coding exon 1 of the MSH6 gene, results from a G to T substitution at nucleotide position 133. The glycine at codon 45 is replaced by cysteine, an amino acid with highly dissimilar properties. This amino acid position is not well conserved in available vertebrate species. In addition, this alteration is predicted to be tolerated by in silico analysis. In addition, the CoDP in silico tool predicts this alteration to have a minor impact on molecular function, with a score of 0.000 (Terui H et al. J. Biomed. Sci. 2013 Apr;20:25). Since supporting evidence is limited at this time, the clinical significance of this alteration remains unclear.

University of Washington Department of Laboratory Medicine, University of Washington
Classification: Likely benign for Lynch syndrome. Last evaluated: 2018-05-01. Review status: criteria provided, single submitter. Criteria: Shirts BH et al. (Am J Hum Genet 2018). Collection method: clinical testing. Allele origin: somatic. Affected: yes.
Comment: MSH6 NM_000179.2:c.133G>T has a 2.2% probability of pathogenicity based on combining prior probability from public data with a likelihood ratio of 0.20 to 1, generated from evidence of seeing this as a somatic mutation in a tumor without loss of heterozygosity at the MSH6 locus. See Shirts et al 2018, PMID 29887214.

Literature cited by the submitters: PubMed 29887214 (cited by Ambry Genetics).